The following is an entry in ClinVar:

ClinVar aggregate classification (germline): Uncertain significance (1 of 4 stars; one submission).

Allele frequency attached by ClinVar (database versions not stated): gnomAD 0.00001; TOPMed 0.00001.
gnomAD v4.1: 2 of 1,613,450 alleles (0.00012%); highest among the groups gnomAD compares: African/African-American, 0.0013%; no homozygotes.

Submission:

GeneDx
Classification: Uncertain significance. Last evaluated: 2017-04-07. Review status: criteria provided, single submitter. Criteria: GeneDx Variant Classification (06012015). Collection method: clinical testing. Allele origin: germline. Affected: yes.
Comment: The V397M variant has not been published as a pathogenic variant, nor has it been reported as a benign variant to our knowledge. The V397M variant is not observed in large population cohorts (Lek et al., 2016; 1000 Genomes Consortium et al., 2015; Exome Variant Server). This variant is a conservative amino acid substitution, which is not likely to impact secondary protein structure as these residues share similar properties. However, this substitution occurs at a position that is conserved across species, and in silico analysis is inconsistent in its predictions as to whether or not the variant is damaging to the protein structure/function.

NM_022464.5(SIL1):c.1189G>A (p.Val397Met)

Gene: SIL1 (SIL1 nucleotide exchange factor; minus strand). Cytogenetic location: 5q31.2.
Variant type: single nucleotide variant.
Coding change: c.1189G>A on transcript NM_022464.5 (MANE Select); coding-DNA position 1189, G replaced by A.
Protein change: p.Val397Met; replaces valine 397 with methionine.
Molecular consequence: missense variant.
Genome position (GRCh38, 1-based): chr5:138,947,314, C>T on the plus strand (G>A on the coding strand, the complement: SIL1 is on the minus strand). VCF-style: chr5-138947314-C-T. GRCh37 (hg19) VCF-style: chr5-138283003-C-T.
Other names: c.1189G>A, p.Val397Met (NM_001037633.2); short protein forms V397M.
Identifiers: ClinVar variation 426677 (VCV000426677.2), dbSNP rs1085307740, ClinGen allele CA361136714.